The following is an entry in ClinVar:

NM_001257.5(CDH13):c.781+4T>A

Genes: CDH13 (cadherin 13; plus strand), LOC126862420 (P300/CBP strongly-dependent group 1 enhancer GRCh37_chr16:83377629-83378828; plus strand). Cytogenetic location: 16q23.3.
Variant type: single nucleotide variant.
Coding change: c.781+4T>A on transcript NM_001257.5 (MANE Select); 4 bases into the intron after coding-DNA position 781, T replaced by A.
Molecular consequence: intron variant.
Genome position (GRCh38, 1-based): chr16:83,345,010, T>A. VCF-style: chr16-83345010-T-A. GRCh37 (hg19) VCF-style: chr16-83378615-T-A.
Other names: c.922+4T>A (NM_001220488.2); c.664+4T>A (NM_001220489.2); c.19+4T>A (NM_001220490.2).
Identifiers: ClinVar variation 3049177 (VCV003049177.2), dbSNP rs189965190, ClinGen allele CA8196497.

ClinVar aggregate classification (germline): Likely benign (0 of 4 stars; one submission).

Conditions:
CDH13-related disorder. Also called: CDH13-related condition.

Allele frequency attached by ClinVar (database versions not stated): TOPMed 0.00040; gnomAD 0.00044; 1000 Genomes Project 30x 0.00047; 1000 Genomes Project 0.00060; ESP Exome Variant Server 0.00065.
gnomAD v4.1: 652 of 1,613,612 alleles (0.04%); highest among the groups gnomAD compares: Middle Eastern, 0.18%; 2 homozygotes.

Submission:

PreventionGenetics, part of Exact Sciences
Classification: Likely benign for CDH13-related condition. Last evaluated: 2020-03-09. Review status: no assertion criteria provided. Collection method: clinical testing. Allele origin: germline.
Comment: This variant is classified as likely benign based on ACMG/AMP sequence variant interpretation guidelines (Richards et al. 2015 PMID: 25741868, with internal and published modifications).